The following is an entry in ClinVar:

ClinVar aggregate classification (germline): Likely pathogenic (0 of 4 stars; one submission).

Conditions:
POLR1C-related disorder. Also called: POLR1C-related condition; POLR1C-related disorders. Identifiers: MedGen CN239394, MONDO:0700278.

gnomAD v4.1: 1 of 1,614,214 alleles (0.000062%); highest among the groups gnomAD compares: Middle Eastern, 0.016%; no homozygotes.

Submission:

PreventionGenetics, part of Exact Sciences
Classification: Likely pathogenic for POLR1C-related condition. Last evaluated: 2024-04-03. Review status: no assertion criteria provided. Collection method: clinical testing. Allele origin: germline.
Comment: The POLR1C c.438C>A variant is predicted to result in premature protein termination (p.Cys146*). To our knowledge, this variant has not been reported in the literature or in a large population database, indicating this variant is rare. Nonsense variants in POLR1C are expected to be pathogenic. This variant is interpreted as likely pathogenic.

NM_203290.4(POLR1C):c.438C>A (p.Cys146Ter)

Gene: POLR1C (RNA polymerase I and III subunit C; plus strand). Cytogenetic location: 6p21.1.
Variant type: single nucleotide variant.
Coding change: c.438C>A on transcript NM_203290.4 (MANE Select); coding-DNA position 438, C replaced by A.
Protein change: p.Cys146Ter; replaces cysteine 146 with a stop codon.
Molecular consequence: nonsense.
Genome position (GRCh38, 1-based): chr6:43,520,121, C>A. VCF-style: chr6-43520121-C-A. GRCh37 (hg19) VCF-style: chr6-43487859-C-A.
Other names: c.438C>A, p.Cys146Ter (NM_001318876.2, NM_001363658.2); short protein forms C146*.
Identifiers: ClinVar variation 3349434 (VCV003349434.1).
Genomic context (GRCh38, chr6:43,520,121, plus strand): 5'-TGCAGGAGATGAAGAAGGCACAGAGATAGATACTCTACAGTTTCGTCTCCAGGTCAGATG[C>A]ACTCGGAACCCCCATGCTGCTAAAGATTCCTCTGACCCCAACGAACTGTACGTGAACCAC-3'